The following is an entry in ClinVar:

ClinVar aggregate classification (germline): Conflicting classifications of pathogenicity. Review status: criteria provided, conflicting classifications (1 of 4 stars). 14 submissions from 14 submitters: Uncertain significance (10); Benign (1); Likely benign (1). 2 of the submissions do not count toward it. Last evaluated 2025-11-24.

Conditions:
Hereditary nonpolyposis colorectal neoplasms. Identifiers: MedGen C0009405, MeSH D003123.
MSH6-related disorder. Also called: MSH6-related condition; MSH6-Related disorders.
Breast and/or ovarian cancer. Identifiers: MedGen CN221562.
Hereditary cancer-predisposing syndrome. Also called: Tumor predisposition; Hereditary Cancer Syndrome; Hereditary neoplastic syndrome; Neoplastic Syndromes, Hereditary. Identifiers: Orphanet 140162, MedGen C0027672, MeSH D009386, MONDO:0015356.
Lynch syndrome. Identifiers: Orphanet 144, MedGen C4552100, MONDO:0005835. Disease mechanism: loss of function.
Lynch syndrome 5 (LYNCH5). Also called: Hereditary non-polyposis colorectal cancer, type 5; Colorectal cancer, hereditary nonpolyposis, type 5. Identifiers: Orphanet 144, MedGen C1833477, MONDO:0013710, OMIM 614350. Disease mechanism: loss of function.

Allele frequency attached by ClinVar (database versions not stated): gnomAD exomes below 0.00001 and 0.00003; ExAC 0.00001; gnomAD 0.00001; TOPMed 0.00001.
gnomAD v4.1: 50 of 1,614,086 alleles (0.0031%); highest among the groups gnomAD compares: Non-Finnish European, 0.0042%; no homozygotes.

Submissions (14):

Labcorp Genetics (formerly Invitae), Labcorp
Classification: Benign for Hereditary nonpolyposis colorectal neoplasms. Last evaluated: 2025-11-24. Review status: criteria provided, single submitter. Criteria: Invitae Variant Classification Sherloc (09022015). Collection method: clinical testing. Allele origin: germline.

Ambry Genetics
Classification: Uncertain significance for Hereditary cancer-predisposing syndrome. Last evaluated: 2025-09-20. Review status: criteria provided, single submitter. Criteria: Ambry Variant Classification Scheme 2023. Collection method: clinical testing. Allele origin: germline.
Comment: The p.G354V variant (also known as c.1061G>T), located in coding exon 4 of the MSH6 gene, results from a G to T substitution at nucleotide position 1061. The glycine at codon 354 is replaced by valine, an amino acid with dissimilar properties. This alteration has been reported in one individual with early-onset breast cancer and in a pediatric patient diagnosed with acute lymphocytic leukemia (Maxwell KN et al. Genet. Med. 2015 Aug;17(8):630-8; Zhang J et al. N. Engl. J. Med. 2015 Dec;373(24):2336-2346). This alteration has also been reported in one individual with pancreatic cancer (Young E et al. BMC Cancer 2018 Jun;18(1):697). This amino acid position is not well conserved in available vertebrate species. In addition, the in silico prediction for this alteration is inconclusive. Since supporting evidence is limited at this time, the clinical significance of this alteration remains unclear.

Color Diagnostics, LLC DBA Color Health
Classification: Uncertain significance for Hereditary cancer-predisposing syndrome. Last evaluated: 2025-08-28. Review status: criteria provided, single submitter. Criteria: ACMG Guidelines, 2015. Collection method: clinical testing. Allele origin: germline.
Comment: This missense variant replaces glycine with valine at codon 354 of the MSH6 protein. Computational prediction suggests that this variant may not impact protein structure and function. To our knowledge, functional studies have not been reported for this variant. This variant has been reported in an individual affected with pancreatic cancer (PMID: 29945567). This variant has been identified in 1/251202 chromosomes in the general population by the Genome Aggregation Database (gnomAD). The available evidence is insufficient to determine the role of this variant in disease conclusively. Therefore, this variant is classified as a Variant of Uncertain Significance.

All of Us Research Program, National Institutes of Health
Classification: Uncertain significance for Lynch syndrome. Last evaluated: 2024-06-11. Review status: criteria provided, single submitter. Criteria: ACMG Guidelines, 2015. Collection method: clinical testing. Allele origin: germline. Inheritance: Autosomal dominant inheritance. Observed: 7 variant alleles, 7 heterozygotes.
Comment: This missense variant replaces glycine with valine at codon 354 of the MSH6 protein. Computational prediction suggests that this variant may not impact protein structure and function (internally defined REVEL score threshold <= 0.5, PMID: 27666373). Splice site prediction tools suggest that this variant may not impact RNA splicing. To our knowledge, functional studies have not been performed for this variant. This variant has been reported in an individual affected with breast cancer (PMID: 25503501) and an individual affected with childhood acute lymphoblastic leukemia (PMID: 26580448). This variant has been identified in 1/251202 chromosomes in the general population by the Genome Aggregation Database (gnomAD). The available evidence is insufficient to determine the role of this variant in disease conclusively. Therefore, this variant is classified as a Variant of Uncertain Significance.

This study involves interpretation of variants in research participants for the purpose of population health screening. Participant phenotype was not available at the time of variant classification. Additional details can be found in publication PMID: 35346344, PMCID: PMC8962531

Women's Health and Genetics/Laboratory Corporation of America, LabCorp
Classification: Uncertain significance. Last evaluated: 2024-01-08. Review status: criteria provided, single submitter. Criteria: LabCorp Variant Classification Summary - May 2015. Collection method: clinical testing. Allele origin: germline.
Comment: Variant summary: MSH6 c.1061G>T (p.Gly354Val) results in a non-conservative amino acid change in the encoded protein sequence. Three of five in-silico tools predict a damaging effect of the variant on protein function. The variant allele was found at a frequency of 3.1e-05 in 1614086 control chromosomes (gnomAD v.4.0.0). This frequency is not significantly higher than estimated for a pathogenic variant in MSH6 causing Hereditary Nonpolyposis Colorectal Cancer (3.1e-05 vs 0.00014), allowing no conclusion about variant significance. c.1061G>T has been reported in the literature in at least one individual affected with early onset breast cancer (Maxwell_2015) and in individuals with other cancers without strong evidence for causality (e.g. Zhang_2015, Young_2018). These reports do not provide unequivocal conclusions about association of the variant with disease. To our knowledge, no experimental evidence demonstrating an impact on protein function has been reported. The following publications have been ascertained in the context of this evaluation (PMID: 25503501, 26580448, 29945567). ClinVar contains an entry for this variant (Variation ID: 182618). Based on the evidence outlined above, the variant was classified as uncertain significance.

GeneDx
Classification: Uncertain significance. Last evaluated: 2023-07-20. Review status: criteria provided, single submitter. Criteria: GeneDx Variant Classification Process June 2021. Collection method: clinical testing. Allele origin: germline. Affected: yes.
Comment: Not observed at significant frequency in large population cohorts (gnomAD); In silico analysis supports that this missense variant does not alter protein structure/function; Observed in individuals with breast or other cancers (Maxwell et al., 2015; Zhang et al., 2015; Young et al., 2018); This variant is associated with the following publications: (PMID: 25503501, 26580448, 29945567)

St. Jude Molecular Pathology, St. Jude Children's Research Hospital
Classification: Uncertain significance for Lynch syndrome 5. Last evaluated: 2023-04-27. Review status: criteria provided, single submitter. Criteria: St. Jude Assertion Criteria 2020. Collection method: clinical testing. Allele origin: germline.
Comment: The MSH6 c.1061G>T (p.Gly354Val) missense change has a maximum subpopulation frequency of 0.006% in gnomAD v2.1.1. The in silico tool REVEL is inconclusive about a pathogenic or benign effect of this variant on protein function, and functional studies have not been performed. This variant has been reported in an individual with pancreatic cancer (PMID: 29945567). This variant has not been reported in individuals with Lynch syndrome or constitutional mismatch repair deficiency. In summary, the evidence currently available is insufficient to determine the clinical significance of this variant. It has therefore been classified as of uncertain significance.

Myriad Genetics, Inc.
Classification: Likely benign for Lynch syndrome 5. Last evaluated: 2023-03-29. Review status: criteria provided, single submitter. Criteria: Myriad Autosomal Dominant, Autosomal Recessive and X-Linked Classification Criteria (2023). Collection method: clinical testing. Allele origin: unknown.
Comment: This variant is considered likely benign. This variant has been observed in conjunction with multiple pathogenic variants, reducing the likelihood this variant itself is pathogenic.

Quest Diagnostics Nichols Institute San Juan Capistrano
Classification: Uncertain significance. Last evaluated: 2023-03-14. Review status: criteria provided, single submitter. Criteria: Quest Diagnostics criteria. Collection method: clinical testing. Allele origin: unknown.
Comment: The frequency of this variant in the general population, 0.000004 (1/251202 chromosomes), is uninformative in assessment of its pathogenicity. In the published literature, the variant has been reported in an individual with early-onset breast cancer (PMID: 25503501(2015)), pancreatic cancer (PMID: 29945567(2018)) and pediatric acute lymphoblastic leukemia (PMID: 26580448 (2015)). In a large-scale breast cancer association study, the variant was observed in breast cancer cases and in unaffected individuals (PMID: 33471991 (2021), see also LOVD). Analysis of this variant using bioinformatics tools for the prediction of the effect of amino acid changes on protein structure and function yielded predictions that this variant is benign. Based on the available information, we are unable to determine the clinical significance of this variant.

Blueprint Genetics
Classification: Uncertain significance. Last evaluated: 2022-04-19. Review status: criteria provided, single submitter. Criteria: ACMG Guidelines, 2015. Collection method: clinical testing. Allele origin: germline.

CHEO Genetics Diagnostic Laboratory, Children's Hospital of Eastern Ontario
Classification: Uncertain significance for Breast and/or ovarian cancer. Last evaluated: 2021-03-13. Review status: criteria provided, single submitter. Criteria: ACMG Guidelines, 2015. Collection method: clinical testing. Allele origin: germline.

ARUP Laboratories, Molecular Genetics and Genomics, ARUP Laboratories
Classification: Uncertain significance. Last evaluated: 2018-05-21. Review status: criteria provided, single submitter. Criteria: ARUP Molecular Germline Variant Investigation Process. Collection method: clinical testing. Allele origin: germline.
Comment: The MSH6 c.1061G>T; p.Gly354Val variant (rs730881788), is reported in the literature in at least one individual with early-onset breast cancer (Maxwell 2015). This variant is reported as uncertain in ClinVar (Variation ID: 182618), and found in the general population with a low overall allele frequency of 0.003% (1/30980 alleles) in the Genome Aggregation Database. The glycine at codon 354 is not highly conserved, and computational programs that predict the effect of missense variants on the protein (SIFT, PolyPhen-2) suggest that this variant is tolerated. However, splicing algorithms (Alamut v.2.11) suggest this variant may have an impact on splicing by creating a cryptic donor site. Due to limited information, the clinical significance of the p.Gly354Val variant is uncertain at this time. REFERENCES Maxwell KN et al. Prevalence of mutations in a panel of breast cancer susceptibility genes in BRCA1/2-negative patients with early-onset breast cancer. Genet Med. 2015 Aug;17(8):630-8.

PreventionGenetics, part of Exact Sciences
Classification: Uncertain significance for MSH6-related condition. Last evaluated: 2024-04-11. Review status: no assertion criteria provided. Collection method: clinical testing. Allele origin: germline. Not counted in ClinVar's aggregate classification.
Comment: The MSH6 c.1061G>T variant is predicted to result in the amino acid substitution p.Gly354Val. This variant has been reported in at least one individual with early-onset breast cancer (Maxwell et al. 2015. PubMed ID: 25503501) and an individual with acute lymphocytic leukemia (Zhang et al. 2015. PubMed ID: 26580448, Table S4a). This variant is reported in 0.0062% of alleles in individuals of African descent in gnomAD and is interpreted as uncertain significance by majority of the submitters in ClinVar. At this time, the clinical significance of this variant is uncertain due to the absence of conclusive functional and genetic evidence.

Counsyl
Classification: Uncertain significance for Lynch syndrome 5. Last evaluated: 2017-05-26. Review status: no assertion criteria provided. Collection method: clinical testing. Allele origin: unknown. Not counted in ClinVar's aggregate classification.

Literature cited by the submitters: PubMed 29945567 (cited by 3 submitters); PubMed 25503501 (cited by 4 submitters); PubMed 26580448 (cited by 4 submitters); PubMed 21437237 (cited by Quest Diagnostics Nichols Institute San Juan Capistrano); PubMed 33471991 (cited by Quest Diagnostics Nichols Institute San Juan Capistrano).

NM_000179.3(MSH6):c.1061G>T (p.Gly354Val)

Gene: MSH6 (mutS homolog 6; plus strand). Cytogenetic location: 2p16.3.
Variant type: single nucleotide variant.
Coding change: c.1061G>T on transcript NM_000179.3 (MANE Select); coding-DNA position 1061, G replaced by T.
Protein change: p.Gly354Val; replaces glycine 354 with valine.
Molecular consequence: missense variant.
Genome position (GRCh38, 1-based): chr2:47,799,044, G>T. VCF-style: chr2-47799044-G-T. GRCh37 (hg19) VCF-style: chr2-48026183-G-T.
Other names: p.G354V:GGA>GTA; c.671G>T, p.Gly224Val (NM_001281492.2); c.155G>T, p.Gly52Val (NM_001281493.2, NM_001281494.2); short protein forms G354V, G224V, G52V.
Identifiers: ClinVar variation 182618 (VCV000182618.43), dbSNP rs730881788, ClinGen allele CA007928.
Genomic context (GRCh38, chr2:47,799,044, plus strand): 5'-AGAATACTTTGAGAGCTTTCTCTGCCCCTCAAAATTCTGAATCCCAAGCCCACGTTAGTG[G>T]AGGTGGTGATGACAGTAGTCGCCCTACTGTTTGGTATCATGAAACTTTAGAATGGCTTAA-3'
Protein context (NP_000170.1, residues 344-364): QNSESQAHVS[Gly354Val]GGDDSSRPTV